The following is an entry in ClinVar:

ClinVar aggregate classification (germline): Pathogenic/Likely pathogenic. Review status: criteria provided, multiple submitters, no conflicts (2 of 4 stars). 5 submissions from 5 submitters: Pathogenic (4); Likely pathogenic (1). Last evaluated 2026-04-22.

Conditions:
Alport syndrome. Also called: Hemorrhagic familial nephritis; Hemorrhagic hereditary nephritis; Congenital hereditary hematuria. Identifiers: Orphanet 63, MedGen C1567741, MONDO:0018965.
Autosomal recessive COL4A4-related disorders.
Autosomal recessive Alport syndrome (ATS2). Also called: COL4A4 Alport Syndrome and Thin Basement Membrane Nephropathy; ALPORT SYNDROME 2, AUTOSOMAL RECESSIVE; Alport syndrome type 2; COL4A3-Related Nephropathy. Identifiers: Orphanet 63, Orphanet 88919, MedGen C4746745, MONDO:0008762, OMIM 203780.
Benign familial hematuria. Also called: thin basement membrane disease. Identifiers: MedGen C0241908, MONDO:0957317.

Allele frequency attached by ClinVar (database versions not stated): gnomAD exomes below 0.00001 and 0.00001; ExAC 0.00001.

Submissions (5):

Women's Health and Genetics/Laboratory Corporation of America, LabCorp
Classification: Pathogenic for Autosomal recessive Alport syndrome. Last evaluated: 2026-04-22. Review status: criteria provided, single submitter. Criteria: LabCorp Variant Classification Summary - May 2015. Collection method: clinical testing. Allele origin: germline.
Comment: Variant summary: COL4A4 c.4449_4450dupCA (p.Met1484ThrfsX69) results in a premature termination codon, predicted to cause a truncation of the encoded protein or absence of the protein due to nonsense mediated decay, which are commonly known mechanisms for disease. The variant allele was found at a frequency of 8e-06 in 249440 control chromosomes (gnomAD). c.4449_4450dupCA has been observed in an individual(s) affected with Alport Syndrome, Autosomal Recessive (Raimundo_2018). The following publication has been ascertained in the context of this evaluation (PMID: 29873249). ClinVar contains an entry for this variant (Variation ID: 1073781). Based on the evidence outlined above, the variant was classified as pathogenic.

Labcorp Genetics (formerly Invitae), Labcorp
Classification: Pathogenic. Last evaluated: 2025-12-17. Review status: criteria provided, single submitter. Criteria: Invitae Variant Classification Sherloc (09022015). Collection method: clinical testing. Allele origin: germline.
Comment: This sequence change creates a premature translational stop signal (p.Met1484Thrfs*69) in the COL4A4 gene. It is expected to result in an absent or disrupted protein product. Loss-of-function variants in COL4A4 are known to be pathogenic (PMID: 21196518, 24854265, 25307543). This variant is present in population databases (rs761200469, gnomAD 0.006%). This premature translational stop signal has been observed in individual(s) with Alport syndrome (PMID: 29873249). ClinVar contains an entry for this variant (Variation ID: 1073781). For these reasons, this variant has been classified as Pathogenic.

Myriad Genetics, Inc.
Classification: Pathogenic for Alport syndrome. Last evaluated: 2025-10-27. Review status: criteria provided, single submitter. Criteria: Myriad Autosomal Dominant, Autosomal Recessive and X-Linked Classification Criteria (2023). Collection method: clinical testing. Allele origin: unknown.
Comment: NM_000092.4(COL4A4):c.4449_4450dupCA(M1484Tfs*69) is a frameshift variant classified as pathogenic in the context of Alport syndrome, COL4A4-related. M1484Tfs*69 has been observed in a case with relevant disease (PMID: 29873249). Relevant functional assessments of this variant are not available in the literature. M1484Tfs*69 has been observed in referenced population frequency databases. In summary, NM_000092.4(COL4A4):c.4449_4450dupCA(M1484Tfs*69) is a frameshift variant in a gene where loss of function is a known mechanism of disease, is predicted to disrupt protein function, and has been observed more frequently in cases with the relevant disease than in healthy populations. Please note: this variant was assessed in the context of healthy population screening.

Variantyx, Inc.
Classification: Likely pathogenic for Autosomal recessive COL4A4-related disorders. Last evaluated: 2025-08-08. Review status: criteria provided, single submitter. Criteria: Variantyx Assertion Criteria 2022. Collection method: clinical testing. Allele origin: germline. Inheritance: Autosomal recessive inheritance. Affected: yes.
Comment: This is a frameshift variant in the COL4A4 gene (OMIM: 120131). Pathogenic variants in this gene have been associated with autosomal semidominant COL4A4-related disorders. This variant introduces a premature termination codon in exon 46 out of 48 and is expected to result in loss of function, which is a known disease mechanism for COL4A4 in this disorder (PMID: 29873249) (PVS1). The alteration has been identified in the homozygous or compound heterozygous state in at least one individual reported in the published literature (PMID: 29873249), and it has a 0.0046% maximum allele frequency in non-founder control populations (PM2). Based on the current evidence, this variant is classified as likely pathogenic for autosomal semidominant COL4A4-related disorders. Heterozygous carriers of pathogenic variants typically present with isolated, benign hematuria and penetrance is incomplete (PMID: 36090501, 30450445, 29551517).

Fulgent Genetics
Classification: Pathogenic for Hematuria, benign familial, 1; Autosomal recessive Alport syndrome. Last evaluated: 2022-05-21. Review status: criteria provided, single submitter. Criteria: ACMG Guidelines, 2015. Collection method: clinical testing. Allele origin: unknown.

Literature cited by the submitters: PubMed 29873249 (cited by 4 submitters); PubMed 21196518 (cited by Labcorp Genetics (formerly Invitae), Labcorp); PubMed 24854265 (cited by Labcorp Genetics (formerly Invitae), Labcorp); PubMed 25307543 (cited by Labcorp Genetics (formerly Invitae), Labcorp); PubMed 36090501 (cited by Variantyx, Inc.); PubMed 30450445 (cited by Variantyx, Inc.); PubMed 29551517 (cited by Variantyx, Inc.).

NM_000092.5(COL4A4):c.4449_4450dup (p.Met1484fs)

Gene: COL4A4 (collagen type IV alpha 4 chain; minus strand). Cytogenetic location: 2q36.3.
Variant type: Duplication.
Coding change: c.4449_4450dup on transcript NM_000092.5 (MANE Select); coding-DNA positions 4449 to 4450, 2 bases duplicated (CA; older notation c.4449_4450dupCA).
Protein change: p.Met1484fs; shifts the reading frame from methionine 1484.
Molecular consequence: frameshift variant.
Genome position (GRCh38, 1-based): chr2:227,010,385-227,010,386, TG duplicated on the plus strand (CA on the coding strand, the reverse complement: COL4A4 is on the minus strand). VCF-style (leftmost placement, unchanged base first): chr2-227010384-A-ATG. GRCh37 (hg19) VCF-style: chr2-227875100-A-ATG.
Other names: c.4449_4450dupCA (NM_000092.5); short protein forms M1484fs.
Identifiers: ClinVar variation 1073781 (VCV001073781.11), dbSNP rs761200469, ClinGen allele CA2144164.